The following is an entry in ClinVar:

ClinVar aggregate classification (germline): Pathogenic (0 of 4 stars; one submission).

Conditions:
Hypercalcemia, infantile, 1 (HCINF1). Identifiers: Orphanet 300547, MedGen CN031131, MONDO:0020739, OMIM 143880.

Submission:

Fulgent Genetics
Classification: Pathogenic for Hypercalcemia, infantile, 1. Review status: no assertion criteria provided. Collection method: clinical testing. Allele origin: unknown.
Comment: This variant has been detected in individual(s) who were sent for testing of Renasight - kidney gene panel.

GRCh37/hg19 20q13.2(chr20:52769985-52790525)

Gene: CYP24A1 (cytochrome P450 family 24 subfamily A member 1; minus strand). Cytogenetic location: 20q13.2.
Variant type: copy number loss.
Identifiers: ClinVar variation 1179111 (VCV001179111.3).